The following is an entry in ClinVar:

ClinVar aggregate classification (germline): Uncertain significance (1 of 4 stars; one submission).

Conditions:
Welander distal myopathy (WDM). Also called: Gower's muscular dystrophy; Welander distal myopathy, Swedish type; Distal myopathy, Swedish type; MUSCULAR DYSTROPHY, DISTAL, LATE-ONSET, AUTOSOMAL DOMINANT. Identifiers: Orphanet 603, MedGen C0221054, MONDO:0011466, OMIM 604454.

Submission:

Labcorp Genetics (formerly Invitae), Labcorp
Classification: Uncertain significance for Welander distal myopathy. Last evaluated: 2024-01-02. Review status: criteria provided, single submitter. Criteria: Invitae Variant Classification Sherloc (09022015). Collection method: clinical testing. Allele origin: germline.
Comment: This sequence change replaces proline, which is neutral and non-polar, with histidine, which is basic and polar, at codon 186 of the TIA1 protein (p.Pro186His). This variant is not present in population databases (gnomAD no frequency). This variant has not been reported in the literature in individuals affected with TIA1-related conditions. ClinVar contains an entry for this variant (Variation ID: 1513658). Advanced modeling of protein sequence and biophysical properties (such as structural, functional, and spatial information, amino acid conservation, physicochemical variation, residue mobility, and thermodynamic stability) performed at Invitae indicates that this missense variant is not expected to disrupt TIA1 protein function with a negative predictive value of 80%. In summary, the available evidence is currently insufficient to determine the role of this variant in disease. Therefore, it has been classified as a Variant of Uncertain Significance.

NM_022173.4(TIA1):c.557C>A (p.Pro186His)

Gene: TIA1 (TIA1 cytotoxic granule associated RNA binding protein; minus strand). Cytogenetic location: 2p13.3.
Variant type: single nucleotide variant.
Coding change: c.557C>A on transcript NM_022173.4 (MANE Select); coding-DNA position 557, C replaced by A.
Protein change: p.Pro186His; replaces proline 186 with histidine.
Molecular consequence: missense variant. On other transcripts: non-coding transcript variant (17).
Genome position (GRCh38, 1-based): chr2:70,216,912, G>T on the plus strand (C>A on the coding strand, the complement: TIA1 is on the minus strand). VCF-style: chr2-70216912-G-T. GRCh37 (hg19) VCF-style: chr2-70444044-G-T.
Other names: c.557C>A, p.Pro186His (NM_001351508.2, NM_001351516.2, NM_001351518.2); c.530C>A, p.Pro177His (NM_001351509.2); c.524C>A, p.Pro175His (NM_001351510.2, NM_022037.4); c.446C>A, p.Pro149His (NM_001351511.1); c.419C>A, p.Pro140His (NM_001351512.1); c.413C>A, p.Pro138His (NM_001351513.1); c.329C>A, p.Pro110His (NM_001351514.2); c.254C>A, p.Pro85His (NM_001351515.2); and 1 more; short protein forms P175H, P46H, P85H, P110H, P186H, P138H, P140H, P149H.
Identifiers: ClinVar variation 1513658 (VCV001513658.8), dbSNP rs2103953680, ClinGen allele CA347152849.